The following is an entry in ClinVar:

ClinVar aggregate classification (germline): Pathogenic (1 of 4 stars; one submission).

Conditions:
Familial cancer of breast. Also called: BREAST CANCER, FAMILIAL; Hereditary breast cancer; hereditary breast carcinoma. Identifiers: Orphanet 227535, MedGen C0346153, MONDO:0016419, OMIM 114480. Disease mechanism: loss of function.

Submission:

Myriad Genetics, Inc.
Classification: Pathogenic for Familial cancer of breast. Last evaluated: 2024-03-05. Review status: criteria provided, single submitter. Criteria: Myriad Autosomal Dominant, Autosomal Recessive and X-Linked Classification Criteria (2023). Collection method: clinical testing. Allele origin: unknown.
Comment: This variant is considered pathogenic. This variant creates a termination codon and is predicted to result in premature protein truncation.

NM_000465.4(BARD1):c.1759G>T (p.Glu587Ter)

Gene: BARD1 (BRCA1 associated RING domain 1; minus strand). Cytogenetic location: 2q35.
Variant type: single nucleotide variant.
Coding change: c.1759G>T on transcript NM_000465.4 (MANE Select); coding-DNA position 1759, G replaced by T.
Protein change: p.Glu587Ter; replaces glutamic acid 587 with a stop codon.
Molecular consequence: nonsense. On other transcripts: non-coding transcript variant (3), intron variant (1).
Genome position (GRCh38, 1-based): chr2:214,745,773, C>A on the plus strand (G>T on the coding strand, the complement: BARD1 is on the minus strand). VCF-style: chr2-214745773-C-A. GRCh37 (hg19) VCF-style: chr2-215610497-C-A.
Other names: c.1702G>T, p.Glu568Ter (NM_001282543.2); c.406G>T, p.Glu136Ter (NM_001282545.2); c.349G>T, p.Glu117Ter (NM_001282548.2); c.365-15265G>T (NM_001282549.2); short protein forms E568*, E587*, E117*, E136*.
Identifiers: ClinVar variation 3148331 (VCV003148331.1), dbSNP rs780820468, ClinGen allele CA350452854.